The following is an entry in ClinVar:

ClinVar aggregate classification (germline): Conflicting classifications of pathogenicity. Review status: criteria provided, conflicting classifications (1 of 4 stars). 2 submissions from 2 submitters: Pathogenic (1); Uncertain significance (1). Last evaluated 2020-05-05.

Conditions:
Mitochondrial DNA depletion syndrome 13. Also called: FBXL4-Related Encephalomyopathic Mitochondrial DNA Depletion Syndrome; Mitochondrial DNA depletion syndrome 13 (encephalomyopathic type). Identifiers: Orphanet 369897, MedGen C3809592, MONDO:0014198, OMIM 615471.

Submissions (2):

Baylor Genetics
Classification: Uncertain significance for Mitochondrial DNA depletion syndrome 13. Last evaluated: 2020-05-05. Review status: criteria provided, single submitter. Criteria: ACMG Guidelines, 2015. Collection method: clinical testing. Allele origin: unknown. Affected: yes.
Comment: This variant was determined to be of uncertain significance according to ACMG Guidelines, 2015 [PMID:25741868].

Wong Mito Lab, Molecular and Human Genetics, Baylor College of Medicine
Classification: Pathogenic for Mitochondrial DNA depletion syndrome 13. Last evaluated: 2017-08-10. Review status: criteria provided, single submitter. Criteria: ACMG Guidelines, 2015. Collection method: clinical testing. Allele origin: germline. Affected: yes.
Comment: The NM_012160.4:c.1652T>A (NP_036292.2:p.Ile551Asn) [GRCH38: NC_000006.12:g.98875465A>T] variant in FBXL4 gene is interpretated to be a Pathogenic based on ACMG guidelines (PMID: 25741868). This variant has been reported in PMID:23993194 . This variant meets one or more of the following evidence codes reported in the ACMG-guideline. PS3:A well established functional studies show a deleterious effect on FBXL4. PM2:This variant is absent in key population databases. PP2:This is a missense variant in FBXL4 with a low rate of benign and high rate of pathogenic missense variations. PP3:Computational evidence/predictors indicate the variant has deleterious effect on FBXL4 structure, function, or protein-protein interaction. PP4:Patientâ€™s phenotype or family history is highly specific for FBXL4. PP5:Reputable source(s) suggest that the variant is pathogenic. Based on this evidence code ClinGen Pathogenicity Calculator (PMID:28081714) suggested that the variant is Pathogenic.

Literature cited by the submitters: PubMed 23993194 (cited by Wong Mito Lab, Molecular and Human Genetics, Baylor College of Medicine).

NM_001278716.2(FBXL4):c.1652T>A (p.Ile551Asn)

Gene: FBXL4 (F-box and leucine rich repeat protein 4; minus strand). Cytogenetic location: 6q16.1.
Variant type: single nucleotide variant.
Coding change: c.1652T>A on transcript NM_001278716.2 (MANE Select); coding-DNA position 1652, T replaced by A.
Protein change: p.Ile551Asn; replaces isoleucine 551 with asparagine.
Molecular consequence: missense variant. On other transcripts: non-coding transcript variant (1).
Genome position (GRCh38, 1-based): chr6:98,875,465, A>T on the plus strand (T>A on the coding strand, the complement: FBXL4 is on the minus strand). VCF-style: chr6-98875465-A-T. GRCh37 (hg19) VCF-style: chr6-99323341-A-T.
Other names: c.1652T>A, p.Ile551Asn (NM_012160.5); short protein forms I551N.
Identifiers: ClinVar variation 437482 (VCV000437482.3), dbSNP rs1554215979, ClinGen allele CA16021021.
Genomic context (GRCh38, chr6:98,875,465, plus strand): 5'-GTAACCTTACCTAATATGTCCAGCTGCTGTAACCTGGTACAATTACATGCCAATTCATCA[A>T]TGTCTGTGTCACACACAGATCTATTAGCTGTAAGAAAGAGTTTTTGCAAGTTTGGGAGCT-3'
Protein context (NP_001265645.1, residues 541-561): TANRSVCDTD[Ile551Asn]DELACNCTRL